The following is an entry in ClinVar:

NM_003738.5(PTCH2):c.435C>T (p.Val145=)

Gene: PTCH2 (patched 2; minus strand). Cytogenetic location: 1p34.1.
Variant type: single nucleotide variant.
Coding change: c.435C>T on transcript NM_003738.5 (MANE Select); coding-DNA position 435, C replaced by T.
Protein change: p.Val145=; no amino-acid change (valine 145 retained).
Molecular consequence: synonymous variant.
Genome position (GRCh38, 1-based): chr1:44,832,172, G>A on the plus strand (C>T on the coding strand, the complement: PTCH2 is on the minus strand). VCF-style: chr1-44832172-G-A. GRCh37 (hg19) VCF-style: chr1-45297844-G-A.
Other names: c.435C>T, p.Val145= (NM_001166292.2).
Identifiers: ClinVar variation 2638782 (VCV002638782.25), dbSNP rs201198043, ClinGen allele CA823644.
Genomic context (GRCh38, chr1:44,832,172, plus strand): 5'-CGCCTCGCCCCCAGCTGCTCAGGGGCTCAGCCAGACTCACTTCCCATAGAGTGATACTTG[G>A]ACTTTACTGGCAGTGAGGGCTGCCTGGAGGTGGAGGCCAAGTGCTTCGGGTGTGAGGATG-3'
Protein context (NP_003729.3, residues 135-155): HLQAALTASK[Val145=]QVSLYGKSWD

ClinVar aggregate classification (germline): Likely benign. Review status: criteria provided, multiple submitters, no conflicts (2 of 4 stars). 2 submissions from 2 submitters: Likely benign (2). Last evaluated 2023-09-01.

Allele frequency attached by ClinVar (database versions not stated): TOPMed below 0.00001; gnomAD exomes 0.00001; ExAC 0.00002.
gnomAD v4.1: 12 of 1,614,158 alleles (0.00074%); highest among the groups gnomAD compares: South Asian, 0.0099%; no homozygotes.

Submissions (2):

CeGaT Center for Human Genetics Tuebingen
Classification: Likely benign. Last evaluated: 2023-09-01. Review status: criteria provided, single submitter. Criteria: CeGaT Center For Human Genetics Tuebingen Variant Classification Criteria Version 2. Collection method: clinical testing. Allele origin: germline. Affected: yes. Observed: 1 variant allele.
Comment: PTCH2: BP4, BP7

Breakthrough Genomics
Classification: Likely benign. Review status: criteria provided, single submitter. Criteria: ACMG Guidelines, 2015. Collection method: not provided. Allele origin: germline. Inheritance: Autosomal dominant inheritance. Affected: yes.